The following is an entry in ClinVar:

NM_001277115.2(DNAH11):c.6352G>A (p.Gly2118Ser)

Gene: DNAH11 (dynein axonemal heavy chain 11; plus strand). Cytogenetic location: 7p15.3.
Variant type: single nucleotide variant.
Coding change: c.6352G>A on transcript NM_001277115.2 (MANE Select); coding-DNA position 6352, G replaced by A.
Protein change: p.Gly2118Ser; replaces glycine 2118 with serine.
Molecular consequence: missense variant.
Genome position (GRCh38, 1-based): chr7:21,704,512, G>A. VCF-style: chr7-21704512-G-A. GRCh37 (hg19) VCF-style: chr7-21744130-G-A.
Other names: short protein forms G2118S.
Identifiers: ClinVar variation 410849 (VCV000410849.59), dbSNP rs72657342, ClinGen allele CA4180791.
Genomic context (GRCh38, chr7:21,704,512, plus strand): 5'-AGGGATTTCAATATGCCCAAAATAGTGACTGACGACATCCCAGTGTTTCTGGGCCTGGTC[G>A]GTGACCTGTTTCCAGCCCTGGATGTGCCCCGGAGGAGGAAGCTGCACTTTGAACAGATGG-3'
Protein context (NP_001264044.1, residues 2108-2128): DDIPVFLGLV[Gly2118Ser]DLFPALDVPR

ClinVar aggregate classification (germline): Conflicting classifications of pathogenicity. Review status: criteria provided, conflicting classifications (1 of 4 stars). 6 submissions from 6 submitters: Uncertain significance (3); Likely benign (3). Last evaluated 2026-07-20.

Conditions:
DNAH11-related disorder. Also called: DNAH11-related condition.
Primary ciliary dyskinesia. Also called: Ciliary dyskinesia. Identifiers: Orphanet 244, MedGen C0008780, MONDO:0016575, HP:0012265.
Primary ciliary dyskinesia 7. Also called: CILIARY DYSKINESIA, PRIMARY, 7, WITH OR WITHOUT SITUS INVERSUS. Identifiers: Orphanet 244, MedGen C2678473, MONDO:0012748, OMIM 611884.

Allele frequency attached by ClinVar (database versions not stated): 1000 Genomes Project 0.00040; TOPMed 0.00041; 1000 Genomes Project 30x 0.00047; gnomAD 0.00048; gnomAD exomes 0.00049 and 0.00094; ExAC 0.00053; ESP Exome Variant Server 0.00081.
gnomAD v4.1: 1,438 of 1,613,768 alleles (0.089%); highest among the groups gnomAD compares: Non-Finnish European, 0.11%; 1 homozygote.

Submissions (6):

PreventionGenetics, part of Exact Sciences
Classification: Likely benign for DNAH11-related condition. Last evaluated: 2026-07-20. Review status: criteria provided, single submitter. Criteria: ACMG Guidelines, 2015. Collection method: clinical testing. Allele origin: germline.
Comment: This variant is classified as likely benign based on ACMG/AMP sequence variant interpretation guidelines (Richards et al. 2015 PMID: 25741868, with internal and published modifications).

Labcorp Genetics (formerly Invitae), Labcorp
Classification: Likely benign for Primary ciliary dyskinesia. Last evaluated: 2026-02-01. Review status: criteria provided, single submitter. Criteria: Invitae Variant Classification Sherloc (09022015). Collection method: clinical testing. Allele origin: germline.

GeneDx
Classification: Uncertain significance. Last evaluated: 2025-08-12. Review status: criteria provided, single submitter. Criteria: GeneDx Variant Classification Process June 2021. Collection method: clinical testing. Allele origin: germline. Affected: yes.
Comment: In silico analysis supports that this missense variant has a deleterious effect on protein structure/function; Has not been previously published as pathogenic or benign to our knowledge

CeGaT Center for Human Genetics Tuebingen
Classification: Likely benign. Last evaluated: 2023-06-01. Review status: criteria provided, single submitter. Criteria: CeGaT Center For Human Genetics Tuebingen Variant Classification Criteria Version 2. Collection method: clinical testing. Allele origin: germline. Affected: yes. Observed: 4 variant alleles.
Comment: DNAH11: BP4

ARUP Laboratories, Molecular Genetics and Genomics, ARUP Laboratories
Classification: Uncertain significance for Primary ciliary dyskinesia 7. Last evaluated: 2022-03-25. Review status: criteria provided, single submitter. Criteria: ARUP Molecular Germline Variant Investigation Process 2021. Collection method: clinical testing. Allele origin: germline.
Comment: The DNAH11 c.6352G>A; p.Gly2118Ser variant (rs72657342), to our knowledge, is not reported in the medical literature; but is reported in ClinVar (Variation ID: 410849). This variant is found in the general population with an overall allele frequency of 0.05% (132/280170 alleles) in the Genome Aggregation Database. The glycine at codon 2118 is weakly conserved, and computational analyses predict that this variant is neutral (REVEL: 0.082). Due to limited information, the clinical significance of the this variant is uncertain at this time.

Revvity Omics, Revvity
Classification: Uncertain significance for Primary ciliary dyskinesia 7. Last evaluated: 2022-02-17. Review status: criteria provided, single submitter. Criteria: ACMG Guidelines, 2015. Collection method: clinical testing. Allele origin: germline.